The following is an entry in ClinVar:

NM_022049.3(GPR88):c.903G>A (p.Val301=)

Gene: GPR88 (G protein-coupled receptor 88; plus strand). Cytogenetic location: 1p21.2.
Variant type: single nucleotide variant.
Coding change: c.903G>A on transcript NM_022049.3 (MANE Select); coding-DNA position 903, G replaced by A.
Protein change: p.Val301=; no amino-acid change (valine 301 retained).
Molecular consequence: synonymous variant.
Genome position (GRCh38, 1-based): chr1:100,539,869, G>A. VCF-style: chr1-100539869-G-A. GRCh37 (hg19) VCF-style: chr1-101005425-G-A.
Other names: c.903G>A (NM_022049.2).
Identifiers: ClinVar variation 1168830 (VCV001168830.11), dbSNP rs201200849, ClinGen allele CA971136.
Genomic context (GRCh38, chr1:100,539,869, plus strand): 5'-CAGCGGCCTGTCGGTGCTGCTGCTCTGCTGCGTCTTCCTGCTGGCCACGCAGCCACTGGT[G>A]TGGGTGAGCCTGGCCAGCGGCTTCTCGCTGCCGGTGCCCTGGGGAGTGCAGGCGGCCAGC-3'
Protein context (NP_071332.2, residues 291-311): CVFLLATQPL[Val301=]WVSLASGFSL

ClinVar aggregate classification (germline): Benign. Review status: criteria provided, single submitter (1 of 4 stars). 2 submissions from 2 submitters: Benign (1). 1 of the submissions does not count toward it. Last evaluated 2026-01-26.

Conditions:
GPR88-related disorder. Also called: GPR88-related condition.

Allele frequency attached by ClinVar (database versions not stated): 1000 Genomes Project 0.00040; 1000 Genomes Project 30x 0.00094; gnomAD exomes 0.00256 and 0.00447; TOPMed 0.00261; gnomAD 0.00271 and 0.00287; ExAC 0.00295; ESP Exome Variant Server 0.00300.

Submissions (2):

Labcorp Genetics (formerly Invitae), Labcorp
Classification: Benign. Last evaluated: 2026-01-26. Review status: criteria provided, single submitter. Criteria: Invitae Variant Classification Sherloc (09022015). Collection method: clinical testing. Allele origin: germline.

PreventionGenetics, part of Exact Sciences
Classification: Likely benign for GPR88-related condition. Last evaluated: 2021-01-04. Review status: no assertion criteria provided. Collection method: clinical testing. Allele origin: germline. Not counted in ClinVar's aggregate classification.
Comment: This variant is classified as likely benign based on ACMG/AMP sequence variant interpretation guidelines (Richards et al. 2015 PMID: 25741868, with internal and published modifications).